The following is an entry in ClinVar:

ClinVar aggregate classification (germline): Uncertain significance (1 of 4 stars; one submission).

gnomAD v4.1: 1 of 1,609,308 alleles (0.000062%); highest among the groups gnomAD compares: Non-Finnish European, 0.000085%; no homozygotes.

Submission:

Ambry Genetics
Classification: Uncertain significance. Last evaluated: 2023-06-29. Review status: criteria provided, single submitter. Criteria: Ambry Variant Classification Scheme 2023. Collection method: clinical testing. Allele origin: germline.
Comment: The p.K175E variant (also known as c.523A>G), located in coding exon 6 of the BUB1 gene, results from an A to G substitution at nucleotide position 523. The lysine at codon 175 is replaced by glutamic acid, an amino acid with similar properties. This amino acid position is conserved. In addition, this alteration is predicted to be tolerated by in silico analysis. Since supporting evidence is limited at this time, the clinical significance of this alteration remains unclear.

NM_004336.5(BUB1):c.523A>G (p.Lys175Glu)

Gene: BUB1 (BUB1 mitotic checkpoint serine/threonine kinase; minus strand). Cytogenetic location: 2q13.
Variant type: single nucleotide variant.
Coding change: c.523A>G on transcript NM_004336.5 (MANE Select); coding-DNA position 523, A replaced by G.
Protein change: p.Lys175Glu; replaces lysine 175 with glutamic acid.
Molecular consequence: missense variant.
Genome position (GRCh38, 1-based): chr2:110,669,497, T>C on the plus strand (A>G on the coding strand, the complement: BUB1 is on the minus strand). VCF-style: chr2-110669497-T-C. GRCh37 (hg19) VCF-style: chr2-111427074-T-C.
Other names: c.463A>G, p.Lys155Glu (NM_001278616.2); c.523A>G, p.Lys175Glu (NM_001278617.2); short protein forms K155E, K175E.
Identifiers: ClinVar variation 2624732 (VCV002624732.2), dbSNP rs772559602, ClinGen allele CA348219178.
Genomic context (GRCh38, chr2:110,669,497, plus strand): 5'-CAAATGTCATTATTACCTGATTCTTAGAAATGCAGGCCATGTTATTTCCTGGATTTGATT[T>C]TGATGTTATCATTTGATTTAAAACCTGAACATTATGCAGAGGTTCTGAGGTTCTAGCTAT-3'
Protein context (NP_004327.1, residues 165-185): VQVLNQMITS[Lys175Glu]SNPGNNMACI